The following is an entry in ClinVar:

ClinVar aggregate classification (germline): Uncertain significance. Review status: criteria provided, multiple submitters, no conflicts (2 of 4 stars). 2 submissions from 2 submitters: Uncertain significance (2). Last evaluated 2021-12-14.

Conditions:
Inborn genetic diseases. Identifiers: MedGen C0950123, MeSH D030342.
Hereditary spastic paraplegia 11. Also called: Spastic paraplegia, mental retardation and thin corpus callosum; SPASTIC PARAPLEGIA, AUTOSOMAL RECESSIVE, COMPLICATED, WITH THIN CORPUS CALLOSUM; SPASTIC PARAPLEGIA, AUTOSOMAL RECESSIVE, WITH MENTAL IMPAIRMENT AND THIN CORPUS CALLOSUM; Spastic Paraplegia 11; Nakamura Osame syndrome; Autosomal recessive hereditary spastic paraplegia, mental impairment, and thin corpus callosum. Identifiers: Orphanet 2822, MedGen C1858479, MONDO:0011445, OMIM 604360.

Allele frequency attached by ClinVar (database versions not stated): gnomAD exomes below 0.00001 and 0.00001; gnomAD 0.00001; TOPMed 0.00004.
gnomAD v4.1: 6 of 1,605,932 alleles (0.00037%); highest among the groups gnomAD compares: Admixed American, 0.0017%; no homozygotes.

Submissions (2):

Ambry Genetics
Classification: Uncertain significance for Inborn genetic diseases. Last evaluated: 2021-12-14. Review status: criteria provided, single submitter. Criteria: Ambry Variant Classification Scheme 2023. Collection method: clinical testing. Allele origin: germline.

Labcorp Genetics (formerly Invitae), Labcorp
Classification: Uncertain significance for Hereditary spastic paraplegia 11. Last evaluated: 2021-09-02. Review status: criteria provided, single submitter. Criteria: Invitae Variant Classification Sherloc (09022015). Collection method: clinical testing. Allele origin: germline.
Comment: This sequence change replaces arginine with histidine at codon 77 of the SPG11 protein (p.Arg77His). The arginine residue is weakly conserved and there is a small physicochemical difference between arginine and histidine. This variant is not present in population databases (ExAC no frequency). This variant has not been reported in the literature in individuals affected with SPG11-related conditions. Algorithms developed to predict the effect of missense changes on protein structure and function (SIFT, PolyPhen-2, Align-GVGD) all suggest that this variant is likely to be tolerated. In summary, the available evidence is currently insufficient to determine the role of this variant in disease. Therefore, it has been classified as a Variant of Uncertain Significance.

NM_025137.4(SPG11):c.230G>A (p.Arg77His)

Gene: SPG11 (SPG11 vesicle trafficking associated, spatacsin; minus strand). Cytogenetic location: 15q21.1.
Variant type: single nucleotide variant.
Coding change: c.230G>A on transcript NM_025137.4 (MANE Select); coding-DNA position 230, G replaced by A.
Protein change: p.Arg77His; replaces arginine 77 with histidine.
Molecular consequence: missense variant.
Genome position (GRCh38, 1-based): chr15:44,663,418, C>T on the plus strand (G>A on the coding strand, the complement: SPG11 is on the minus strand). VCF-style: chr15-44663418-C-T. GRCh37 (hg19) VCF-style: chr15-44955616-C-T.
Other names: c.230G>A, p.Arg77His (NM_001160227.2); c.230G>A (NM_025137.3); short protein forms R77H.
Identifiers: ClinVar variation 1510408 (VCV001510408.6), dbSNP rs1160672319, ClinGen allele CA392238534.
Genomic context (GRCh38, chr15:44,663,418, plus strand): 5'-CCCCCAACGGCCCAACTCTCCCTCAGCACTTACTGCCAGAAGGGGCCCTCCAGGCAGCAG[C>T]GACCCCCGCCCCGGCTGCCAGGCGTCAAAGAAAGCACTTGGAGGCTGCCCGCAGCCGTCA-3'
Protein context (NP_079413.3, residues 67-87): SLTPGSRGGG[Arg77His]CCLEGPFWHF